The following is an entry in ClinVar:

ClinVar aggregate classification (germline): Likely benign. Review status: criteria provided, multiple submitters, no conflicts (2 of 4 stars). 4 submissions from 4 submitters: Likely benign (3). 1 of the submissions does not count toward it. Last evaluated 2026-03-09.

Conditions:
Autosomal recessive osteopetrosis 1. Also called: TCIRG1-Related Autosomal Recessive Osteopetrosis; ALBERS-SCHONBERG DISEASE, AUTOSOMAL RECESSIVE; TCIRG1-Related Osteopetrosis. Identifiers: Orphanet 667, MedGen C1850127, MONDO:0009815, OMIM 259700.

Allele frequency attached by ClinVar (database versions not stated): ExAC 0.00002; gnomAD exomes 0.00003; gnomAD 0.00013 and 0.00015.

Submissions (4):

Women's Health and Genetics/Laboratory Corporation of America, LabCorp
Classification: Likely benign. Last evaluated: 2026-03-09. Review status: criteria provided, single submitter. Criteria: LabCorp Variant Classification Summary - May 2015. Collection method: clinical testing. Allele origin: germline.

CeGaT Center for Human Genetics Tuebingen
Classification: Likely benign. Last evaluated: 2026-03-01. Review status: criteria provided, single submitter. Criteria: CeGaT Center For Human Genetics Tuebingen Variant Classification Criteria Version 2. Collection method: clinical testing. Allele origin: germline. Affected: yes. Observed: 1 variant allele.
Comment: TCIRG1: BP4, BP7

Labcorp Genetics (formerly Invitae), Labcorp
Classification: Likely benign. Last evaluated: 2026-01-17. Review status: criteria provided, single submitter. Criteria: Invitae Variant Classification Sherloc (09022015). Collection method: clinical testing. Allele origin: germline.

Natera, Inc.
Classification: Likely benign for Infantile malignant osteopetrosis. Last evaluated: 2021-06-17. Review status: no assertion criteria provided. Collection method: clinical testing. Allele origin: germline. Not counted in ClinVar's aggregate classification.

NM_006019.4(TCIRG1):c.942G>A (p.Thr314=)

Gene: TCIRG1 (T cell immune regulator 1, ATPase H+ transporting V0 subunit a3; plus strand). Cytogenetic location: 11q13.2.
Variant type: single nucleotide variant.
Coding change: c.942G>A on transcript NM_006019.4 (MANE Select); coding-DNA position 942, G replaced by A.
Protein change: p.Thr314=; no amino-acid change (threonine 314 retained).
Molecular consequence: synonymous variant.
Genome position (GRCh38, 1-based): chr11:68,044,266, G>A. VCF-style: chr11-68044266-G-A. GRCh37 (hg19) VCF-style: chr11-67811733-G-A.
Other names: c.48G>A, p.Thr16= (NM_001351059.2); c.294G>A, p.Thr98= (NM_006053.4).
Identifiers: ClinVar variation 1159894 (VCV001159894.15), dbSNP rs764846667, ClinGen allele CA6146851.